The following is an entry in ClinVar:

ClinVar aggregate classification (germline): Uncertain significance (1 of 4 stars; one submission).

Conditions:
Hereditary breast ovarian cancer syndrome. Also called: Hereditary breast and ovarian cancer syndrome; Hereditary breast and/or ovarian cancer syndrome; BRCA1- and BRCA2-Associated Hereditary Breast and Ovarian Cancer; Hereditary breast and ovarian cancer syndrome (HBOC); Hereditary breast and ovarian cancer; Breast and ovarian cancer. Identifiers: Orphanet 145, MedGen C0677776, MeSH D061325, MONDO:0003582. Disease mechanism: loss of function.

Allele frequency attached by ClinVar (database versions not stated): gnomAD exomes below 0.00001.

Submission:

Labcorp Genetics (formerly Invitae), Labcorp
Classification: Uncertain significance for Hereditary breast ovarian cancer syndrome. Last evaluated: 2023-05-12. Review status: criteria provided, single submitter. Criteria: Invitae Variant Classification Sherloc (09022015). Collection method: clinical testing. Allele origin: germline.
Comment: This sequence change falls in intron 15 of the BRCA2 gene. It does not directly change the encoded amino acid sequence of the BRCA2 protein. It affects a nucleotide within the consensus splice site. In summary, the available evidence is currently insufficient to determine the role of this variant in disease. Therefore, it has been classified as a Variant of Uncertain Significance. Variants that disrupt the consensus splice site are a relatively common cause of aberrant splicing (PMID: 17576681, 9536098). Algorithms developed to predict the effect of sequence changes on RNA splicing suggest that this variant may disrupt the consensus splice site. This variant has not been reported in the literature in individuals affected with BRCA2-related conditions. This variant is not present in population databases (gnomAD no frequency).

Literature cited by the submitters: PubMed 17576681; PubMed 9536098.

NM_000059.4(BRCA2):c.7617+2dup

Gene: BRCA2 (BRCA2 DNA repair associated; plus strand). Cytogenetic location: 13q13.1.
Variant type: Duplication.
Coding change: c.7617+2dup on transcript NM_000059.4 (MANE Select); the canonical splice donor site of the intron after coding-DNA position 7617, one base duplicated (T; older notation c.7617+2dupT).
Molecular consequence: splice donor variant.
Genome position (GRCh38, 1-based): chr13:32,356,611, T duplicated. VCF-style (leftmost placement, unchanged base first): chr13-32356610-G-GT. GRCh37 (hg19) VCF-style: chr13-32930747-G-GT.
Other names: c.7617+2dup (NM_001406720.1); c.7521+2dup (NM_001406719.1); c.2685+2dup (NM_001406721.1); c.1200+2dup (NM_001406722.1).
Identifiers: ClinVar variation 2863620 (VCV002863620.3), dbSNP rs2548541766, ClinGen allele CA2622571725.